The following is an entry in ClinVar:

ClinVar aggregate classification (germline): Conflicting classifications of pathogenicity. Review status: criteria provided, conflicting classifications (1 of 4 stars). 3 submissions from 3 submitters: Pathogenic (1); Likely pathogenic (1); Uncertain significance (1). Last evaluated 2025-07-06.

Conditions:
DNAH11-related disorders.
Primary ciliary dyskinesia. Also called: Ciliary dyskinesia. Identifiers: Orphanet 244, MedGen C0008780, MONDO:0016575, HP:0012265.

Allele frequency attached by ClinVar (database versions not stated): gnomAD exomes 0.00001; TOPMed 0.00001; gnomAD 0.00002; ExAC 0.00003.

Submissions (3):

GeneDx
Classification: Uncertain significance. Last evaluated: 2025-07-06. Review status: criteria provided, single submitter. Criteria: GeneDx Variant Classification Process June 2021. Collection method: clinical testing. Allele origin: germline. Affected: yes.
Comment: Frameshift variant predicted to result in protein truncation or nonsense mediated decay in a gene for which loss of function is a known mechanism of disease; Has not been previously published as pathogenic or benign to our knowledge

Labcorp Genetics (formerly Invitae), Labcorp
Classification: Pathogenic for Primary ciliary dyskinesia. Last evaluated: 2025-03-08. Review status: criteria provided, single submitter. Criteria: Invitae Variant Classification Sherloc (09022015). Collection method: clinical testing. Allele origin: germline.
Comment: This sequence change creates a premature translational stop signal (p.Leu2654Glnfs*29) in the DNAH11 gene. It is expected to result in an absent or disrupted protein product. Loss-of-function variants in DNAH11 are known to be pathogenic (PMID: 18022865, 20513915, 22184204). This variant is present in population databases (rs757031567, gnomAD 0.005%). This variant has not been reported in the literature in individuals affected with DNAH11-related conditions. ClinVar contains an entry for this variant (Variation ID: 2804693). For these reasons, this variant has been classified as Pathogenic.

Blueprint Genetics
Classification: Likely pathogenic for DNAH11-related disorders. Last evaluated: 2020-09-18. Review status: criteria provided, single submitter. Criteria: ACMG Guidelines, 2015. Collection method: clinical testing. Allele origin: germline. Affected: yes. Observed: 2 variant alleles.

Literature cited by the submitters: PubMed 18022865 (cited by Labcorp Genetics (formerly Invitae), Labcorp); PubMed 20513915 (cited by Labcorp Genetics (formerly Invitae), Labcorp); PubMed 22184204 (cited by Labcorp Genetics (formerly Invitae), Labcorp).

NM_001277115.2(DNAH11):c.7961del (p.Leu2654fs)

Gene: DNAH11 (dynein axonemal heavy chain 11; plus strand). Cytogenetic location: 7p15.3.
Variant type: Deletion.
Coding change: c.7961del on transcript NM_001277115.2 (MANE Select); coding-DNA position 7961, one base deleted (T; older notation c.7961delT).
Protein change: p.Leu2654fs; shifts the reading frame from leucine 2654.
Molecular consequence: frameshift variant.
Genome position (GRCh38, 1-based): chr7:21,741,973, T deleted. VCF-style (leftmost placement, unchanged base first): chr7-21741972-CT-C. GRCh37 (hg19) VCF-style: chr7-21781590-CT-C.
Other names: c.7961del (NM_001277115.1); c.7982delT, p.Leu2661Glnfs (NM_003777.3); short protein forms L2654fs.
Identifiers: ClinVar variation 2804693 (VCV002804693.5), dbSNP rs757031567, ClinGen allele CA4181433.